The following is an entry in ClinVar:

ClinVar aggregate classification (germline): Uncertain significance (1 of 4 stars; one submission).

Allele frequency attached by ClinVar (database versions not stated): ExAC 0.00038; 1000 Genomes Project 0.00040; gnomAD 0.00042; ESP Exome Variant Server 0.00046; 1000 Genomes Project 30x 0.00047; TOPMed 0.00057.
gnomAD v4.1: 512 of 1,613,336 alleles (0.032%); highest among the groups gnomAD compares: Middle Eastern, 0.12%; 2 homozygotes.

Submission:

Labcorp Genetics (formerly Invitae), Labcorp
Classification: Uncertain significance. Last evaluated: 2025-12-27. Review status: criteria provided, single submitter. Criteria: Invitae Variant Classification Sherloc (09022015). Collection method: clinical testing. Allele origin: germline.
Comment: This sequence change replaces arginine, which is basic and polar, with glutamine, which is neutral and polar, at codon 654 of the KANK2 protein (p.Arg654Gln). This variant is present in population databases (rs199981469, gnomAD 0.08%), and has an allele count higher than expected for a pathogenic variant. This variant has not been reported in the literature in individuals affected with KANK2-related conditions. ClinVar contains an entry for this variant (Variation ID: 2053965). An algorithm developed to predict the effect of missense changes on protein structure and function outputs the following: PolyPhen-2: "Benign". The glutamine amino acid residue is found in multiple mammalian species, which suggests that this missense change does not adversely affect protein function. In summary, the available evidence is currently insufficient to determine the role of this variant in disease. Therefore, it has been classified as a Variant of Uncertain Significance.

NM_001136191.3(KANK2):c.1961G>A (p.Arg654Gln)

Gene: KANK2 (KN motif and ankyrin repeat domains 2; minus strand). Cytogenetic location: 19p13.2.
Variant type: single nucleotide variant.
Coding change: c.1961G>A on transcript NM_001136191.3 (MANE Select); coding-DNA position 1961, G replaced by A.
Protein change: p.Arg654Gln; replaces arginine 654 with glutamine.
Molecular consequence: missense variant.
Genome position (GRCh38, 1-based): chr19:11,174,580, C>T on the plus strand (G>A on the coding strand, the complement: KANK2 is on the minus strand). VCF-style: chr19-11174580-C-T. GRCh37 (hg19) VCF-style: chr19-11285256-C-T.
Other names: c.1961G>A, p.Arg654Gln (NM_001329451.2, NM_001379555.1, NM_001379556.1 and 7 more transcripts); c.1985G>A, p.Arg662Gln (NM_001379548.1, NM_001379549.1, NM_001379550.1 and 5 more transcripts); short protein forms R662Q, R654Q.
Identifiers: ClinVar variation 2053965 (VCV002053965.4), dbSNP rs199981469, ClinGen allele CA9205444.